The following is an entry in ClinVar:

NM_000238.4(KCNH2):c.1557+6G>A

Gene: KCNH2 (potassium voltage-gated channel subfamily H member 2; minus strand). Cytogenetic location: 7q36.1.
Variant type: single nucleotide variant.
Coding change: c.1557+6G>A on transcript NM_000238.4 (MANE Select); 6 bases into the intron after coding-DNA position 1557, G replaced by A.
Molecular consequence: intron variant.
Genome position (GRCh38, 1-based): chr7:150,952,419, C>T on the plus strand (G>A on the coding strand, the complement: KCNH2 is on the minus strand). VCF-style: chr7-150952419-C-T. GRCh37 (hg19) VCF-style: chr7-150649507-C-T.
Other names: c.1269+6G>A (NM_001406753.1, NM_001406756.1); c.537+6G>A (NM_172057.3, NM_001204798.2); c.1557+6G>A (NM_172056.3); c.1380+6G>A (NM_001406755.1); c.1257+6G>A (NM_001406757.1).
Identifiers: ClinVar variation 925308 (VCV000925308.15), dbSNP rs746174154, ClinGen allele CA028475.

ClinVar aggregate classification (germline): Conflicting classifications of pathogenicity. Review status: criteria provided, conflicting classifications (1 of 4 stars). 4 submissions from 4 submitters: Uncertain significance (1); Likely benign (3). Last evaluated 2025-08-03.

Conditions:
Cardiac arrhythmia. Also called: Cardiac rhythm disease; Arrhythmia. Identifiers: MedGen C0003811, MONDO:0007263, HP:0011675.
Long QT syndrome (LQTS). Identifiers: MedGen C0023976, MeSH D008133, MONDO:0002442. Disease mechanism: loss of function. Inheritance: Various modes of inheritance.

Allele frequency attached by ClinVar (database versions not stated): ExAC 0.00001; gnomAD 0.00001; gnomAD exomes 0.00001 and 0.00002; TOPMed 0.00001.
gnomAD v4.1: 8 of 1,613,874 alleles (0.0005%); highest among the groups gnomAD compares: East Asian, 0.0045%; no homozygotes.

Submissions (4):

Labcorp Genetics (formerly Invitae), Labcorp
Classification: Uncertain significance for Long QT syndrome. Last evaluated: 2025-08-03. Review status: criteria provided, single submitter. Criteria: Invitae Variant Classification Sherloc (09022015). Collection method: clinical testing. Allele origin: germline.
Comment: This sequence change falls in intron 6 of the KCNH2 gene. It does not directly change the encoded amino acid sequence of the KCNH2 protein. It affects a nucleotide within the consensus splice site. This variant is present in population databases (rs746174154, gnomAD 0.01%). This variant has not been reported in the literature in individuals affected with KCNH2-related conditions. ClinVar contains an entry for this variant (Variation ID: 925308). Variants that disrupt the consensus splice site are a relatively common cause of aberrant splicing (PMID: 17576681, 9536098). Algorithms developed to predict the effect of sequence changes on RNA splicing suggest that this variant is not likely to affect RNA splicing. In summary, the available evidence is currently insufficient to determine the role of this variant in disease. Therefore, it has been classified as a Variant of Uncertain Significance.

Blueprint Genetics
Classification: Likely benign. Last evaluated: 2023-08-22. Review status: criteria provided, single submitter. Criteria: ACMG Guidelines, 2015. Collection method: clinical testing. Allele origin: germline.

All of Us Research Program, National Institutes of Health
Classification: Likely benign for Long QT syndrome. Last evaluated: 2023-06-26. Review status: criteria provided, single submitter. Criteria: ACMG Guidelines, 2015. Collection method: clinical testing. Allele origin: germline. Inheritance: Autosomal dominant inheritance. Observed: 3 variant alleles, 3 heterozygotes.
Comment: This study involves interpretation of variants in research participants for the purpose of population health screening. Participant phenotype was not available at the time of variant classification. Additional details can be found in publication PMID: 35346344, PMCID: PMC8962531

Color Diagnostics, LLC DBA Color Health
Classification: Likely benign for Arrhythmia. Last evaluated: 2018-11-09. Review status: criteria provided, single submitter. Criteria: ACMG Guidelines, 2015. Collection method: clinical testing. Allele origin: germline.

Literature cited by the submitters: PubMed 17576681 (cited by Labcorp Genetics (formerly Invitae), Labcorp); PubMed 9536098 (cited by Labcorp Genetics (formerly Invitae), Labcorp).